The following is an entry in ClinVar:

ClinVar aggregate classification (germline): Uncertain significance (1 of 4 stars; one submission).

Conditions:
ADCY3-related disorder. Also called: ADCY3-related condition.

Submission:

PreventionGenetics, part of Exact Sciences
Classification: Uncertain significance for ADCY3-related condition. Last evaluated: 2025-01-29. Review status: criteria provided, single submitter. Criteria: ACMG Guidelines, 2015. Collection method: clinical testing. Allele origin: germline.
Comment: The ADCY3 c.3002A>T variant is predicted to result in the amino acid substitution p.Asn1001Ile. To our knowledge, this variant has not been reported in the literature or in a large population database (gnomAD), indicating this variant is rare. At this time, the clinical significance of this variant is uncertain due to the absence of conclusive functional and genetic evidence.

NM_004036.5(ADCY3):c.2999A>T (p.Asn1000Ile)

Gene: ADCY3 (adenylate cyclase 3; minus strand). Cytogenetic location: 2p23.3.
Variant type: single nucleotide variant.
Coding change: c.2999A>T on transcript NM_004036.5 (MANE Select); coding-DNA position 2999, A replaced by T.
Protein change: p.Asn1000Ile; replaces asparagine 1000 with isoleucine.
Molecular consequence: missense variant.
Genome position (GRCh38, 1-based): chr2:24,822,515, T>A on the plus strand (A>T on the coding strand, the complement: ADCY3 is on the minus strand). VCF-style: chr2-24822515-T-A. GRCh37 (hg19) VCF-style: chr2-25045384-T-A.
Other names: c.3002A>T, p.Asn1001Ile (NM_001320613.2); c.3065A>T, p.Asn1022Ile (NM_001377128.1); c.2861A>T, p.Asn954Ile (NM_001377129.1); c.2447A>T, p.Asn816Ile (NM_001377130.1); c.2276A>T, p.Asn759Ile (NM_001377131.1); c.2999A>T, p.Asn1000Ile (NM_001377132.1); short protein forms N1022I, N759I, N816I, N1000I, N1001I, N954I.
Identifiers: ClinVar variation 4998164 (VCV004998164.1).